The following is an entry in ClinVar:

ClinVar aggregate classification (germline): Uncertain significance. Review status: criteria provided, single submitter (1 of 4 stars). 2 submissions from 2 submitters: Uncertain significance (1). 1 of the submissions does not count toward it. Last evaluated 2024-12-09.

Conditions:
Severe combined immunodeficiency due to DCLRE1C deficiency (RS-SCID). Also called: SCID, AUTOSOMAL RECESSIVE, T CELL-NEGATIVE, B CELL-NEGATIVE, NK CELL-POSITIVE, WITH SENSITIVITY TO IONIZING RADIATION. Identifiers: Orphanet 275, MedGen C1865371, MONDO:0011225, OMIM 602450.
Athabaskan severe combined immunodeficiency (SCIDA). Also called: Severe combined immunodeficiency, athabascan-type. Identifiers: MedGen C1865370.

Allele frequency attached by ClinVar (database versions not stated): ExAC 0.00012; gnomAD 0.00009; TOPMed 0.00006; gnomAD exomes 0.00006.
gnomAD v4.1: 59 of 1,613,568 alleles (0.0037%); highest among the groups gnomAD compares: African/African-American, 0.019%; no homozygotes.

Submissions (3):

Labcorp Genetics (formerly Invitae), Labcorp
Classification: Uncertain significance for Athabaskan severe combined immunodeficiency. Last evaluated: 2024-12-09. Review status: criteria provided, single submitter. Criteria: Invitae Variant Classification Sherloc (09022015). Collection method: clinical testing. Allele origin: germline.
Comment: This sequence change replaces arginine, which is basic and polar, with glutamine, which is neutral and polar, at codon 179 of the DCLRE1C protein (p.Arg179Gln). This variant is present in population databases (rs150854849, gnomAD 0.03%). This variant has not been reported in the literature in individuals affected with DCLRE1C-related conditions. ClinVar contains an entry for this variant (Variation ID: 468486). An algorithm developed to predict the effect of missense changes on protein structure and function (PolyPhen-2) suggests that this variant is likely to be disruptive. In summary, the available evidence is currently insufficient to determine the role of this variant in disease. Therefore, it has been classified as a Variant of Uncertain Significance.

Natera, Inc.
Classification: Uncertain significance for Athabascan severe combined immunodeficiency. Last evaluated: 2020-10-08. Review status: no assertion criteria provided. Collection method: clinical testing. Allele origin: germline. Not counted in ClinVar's aggregate classification.

Dr. Peter K. Rogan Lab, Western University
No classification provided (evidence only). Condition: Squamous cell carcinoma of the head and neck. Review status: no classification provided. Collection method: in vitro. Allele origin: not applicable. Functional consequence: retained intron. Not counted in ClinVar's aggregate classification.

NM_001033855.3(DCLRE1C):c.536G>A (p.Arg179Gln)

Gene: DCLRE1C (DNA cross-link repair 1C; minus strand). Cytogenetic location: 10p13.
Variant type: single nucleotide variant.
Coding change: c.536G>A on transcript NM_001033855.3 (MANE Select); coding-DNA position 536, G replaced by A.
Protein change: p.Arg179Gln; replaces arginine 179 with glutamine.
Molecular consequence: missense variant. On other transcripts: non-coding transcript variant (4).
Genome position (GRCh38, 1-based): chr10:14,934,704, C>T on the plus strand (G>A on the coding strand, the complement: DCLRE1C is on the minus strand). VCF-style: chr10-14934704-C-T. GRCh37 (hg19) VCF-style: chr10-14976703-C-T.
Other names: c.176G>A, p.Arg59Gln (NM_001033857.3, NM_001033858.3, NM_001289077.2 and 2 more transcripts); c.191G>A, p.Arg64Gln (NM_001289076.2, NM_001289078.2, NM_001350966.2 and 1 more transcripts); c.536G>A, p.Arg179Gln (NM_001350965.2); short protein forms R179Q, R59Q, R64Q.
Identifiers: ClinVar variation 468486 (VCV000468486.7), dbSNP rs150854849, ClinGen allele CA5416810.
Genomic context (GRCh38, chr10:14,934,704, plus strand): 5'-TTCCTACTAAAAACACGGGCACACCCAGATGATAACCCTGTTCCTCCAGGCAGACTTACC[C>T]GACTTGGAATTTGGTAAAATCTTGGATCACAGAACGTAGTATCCAAATATACACTTTGGA-3'
Protein context (NP_001029027.1, residues 169-189): CDPRFYQIPS[Arg179Gln]EECLSGVLEL